The following is an entry in ClinVar:

NM_000430.4(PAFAH1B1):c.427G>T (p.Glu143Ter)

Gene: PAFAH1B1 (platelet activating factor acetylhydrolase 1b regulatory subunit 1; plus strand). Cytogenetic location: 17p13.3.
Variant type: single nucleotide variant.
Coding change: c.427G>T on transcript NM_000430.4 (MANE Select); coding-DNA position 427, G replaced by T.
Protein change: p.Glu143Ter; replaces glutamic acid 143 with a stop codon.
Molecular consequence: nonsense.
Genome position (GRCh38, 1-based): chr17:2,670,190, G>T. VCF-style: chr17-2670190-G-T. GRCh37 (hg19) VCF-style: chr17-2573484-G-T.
Other names: short protein forms E143*.
Identifiers: ClinVar variation 1399663 (VCV001399663.6), dbSNP rs2151663964, ClinGen allele CA397639881.

ClinVar aggregate classification (germline): Pathogenic (1 of 4 stars; one submission).

Submission:

Labcorp Genetics (formerly Invitae), Labcorp
Classification: Pathogenic. Last evaluated: 2024-11-18. Review status: criteria provided, single submitter. Criteria: Invitae Variant Classification Sherloc (09022015). Collection method: clinical testing. Allele origin: germline.
Comment: This sequence change creates a premature translational stop signal (p.Glu143*) in the PAFAH1B1 gene. It is expected to result in an absent or disrupted protein product. Loss-of-function variants in PAFAH1B1 are known to be pathogenic (PMID: 1671808, 11115846, 14581661). This variant is not present in population databases (gnomAD no frequency). This variant has not been reported in the literature in individuals affected with PAFAH1B1-related conditions. ClinVar contains an entry for this variant (Variation ID: 1399663). For these reasons, this variant has been classified as Pathogenic.

Literature cited by the submitters: PubMed 1671808; PubMed 11115846; PubMed 14581661.